The following is an entry in ClinVar:

NM_001377142.1(PLCB4):c.*1003A>C

Gene: PLCB4 (phospholipase C beta 4; plus strand). Cytogenetic location: 20p12.2.
Variant type: single nucleotide variant.
Coding change: c.*1003A>C on transcript NM_001377142.1 (MANE Select); 1003 bases downstream of the stop codon, A replaced by C.
Molecular consequence: 3 prime UTR variant.
Genome position (GRCh38, 1-based): chr20:9,480,012, A>C. VCF-style: chr20-9480012-A-C. GRCh37 (hg19) VCF-style: chr20-9460659-A-C.
Other names: c.*1003A>C (NM_000933.4, NM_001377134.2, NM_001377135.1 and 1 more transcripts); c.*1023A>C (NM_001172646.2, NM_001377136.1, NM_182797.3).
Identifiers: ClinVar variation 339608 (VCV000339608.6), dbSNP rs74772813, ClinGen allele CA10644498.

ClinVar aggregate classification (germline): Benign. Review status: criteria provided, multiple submitters, no conflicts (2 of 4 stars). 2 submissions from 2 submitters: Benign (2). Last evaluated 2018-01-13.

Conditions:
Auriculocondylar syndrome 2 (ARCND2A). Also called: AURICULOCONDYLAR SYNDROME 2A. Identifiers: Orphanet 137888, MedGen C3553404, MONDO:0013845, OMIM 614669.

Allele frequency attached by ClinVar (database versions not stated): gnomAD exomes 0.02538; gnomAD 0.05811 and 0.06226; TOPMed 0.07447; 1000 Genomes Project 30x 0.13538; 1000 Genomes Project 0.14237.
gnomAD v4.1: 9,412 of 152,452 alleles (6.2%); highest among the groups gnomAD compares: East Asian, 39%; 799 homozygotes.

Submissions (2):

Illumina Laboratory Services, Illumina
Classification: Benign for Auriculocondylar syndrome 2. Last evaluated: 2018-01-13. Review status: criteria provided, single submitter. Criteria: ICSL Variant Classification Criteria 13 December 2019. Collection method: clinical testing. Allele origin: germline.
Comment: This variant was observed in the ICSL laboratory as part of a predisposition screen in an ostensibly healthy population. It had not been previously curated by ICSL or reported in the Human Gene Mutation Database (HGMD: prior to June 1st, 2018), and was therefore a candidate for classification through an automated scoring system. Utilizing variant allele frequency, disease prevalence and penetrance estimates, and inheritance mode, an automated score was calculated to assess if this variant is too frequent to cause the disease. Based on the score and internal cut-off values, a variant classified as benign is not then subjected to further curation. The score for this variant resulted in a classification of benign for this disease.

Breakthrough Genomics
Classification: Benign. Review status: criteria provided, single submitter. Criteria: ACMG Guidelines, 2015. Collection method: not provided. Allele origin: germline. Inheritance: Autosomal dominant inheritance. Affected: yes.